The following is an entry in ClinVar:

NM_153704.6(TMEM67):c.406+1361C>T

Gene: TMEM67 (transmembrane protein 67; plus strand). Cytogenetic location: 8q22.1.
Variant type: single nucleotide variant.
Coding change: c.406+1361C>T on transcript NM_153704.6 (MANE Select); 1361 bases into the intron after coding-DNA position 406, C replaced by T.
Molecular consequence: intron variant. On other transcripts: missense variant (1).
Genome position (GRCh38, 1-based): chr8:93,759,937, C>T. VCF-style: chr8-93759937-C-T. GRCh37 (hg19) VCF-style: chr8-94772165-C-T.
Other names: c.107C>T, p.Pro36Leu (NM_001142301.1); short protein forms P36L.
Identifiers: ClinVar variation 126305 (VCV000126305.10), dbSNP rs73324992, ClinGen allele CA151006.
Genomic context (GRCh38, chr8:93,759,937, plus strand): 5'-GACCTCAGGTGATCTGCCTGCCTCAGCCTCCCAAAGTGCTGGGATACAGGCTTGAGCCAC[C>T]GCACCTGACCTTGGCATGTACTTTAGAAGGAATGTACAACATAATTGAAGAAATTTGTGA-3'

ClinVar aggregate classification (germline): Benign. Review status: criteria provided, multiple submitters, no conflicts (2 of 4 stars). 6 submissions from 6 submitters: Benign (3). 3 of the submissions do not count toward it. Last evaluated 2024-11-27.

Allele frequency attached by ClinVar (database versions not stated): gnomAD exomes 0.02262 and 0.02276; ExAC 0.03011; 1000 Genomes Project 0.03654; gnomAD 0.04077 and 0.04251; 1000 Genomes Project 30x 0.04091; TOPMed 0.04130; ESP Exome Variant Server 0.04271.
gnomAD v4.1: 37,589 of 1,532,134 alleles (2.5%); highest among the groups gnomAD compares: African/African-American, 9%; 690 homozygotes.

Submissions (6):

Blueprint Genetics
Classification: Benign. Last evaluated: 2024-11-27. Review status: criteria provided, single submitter. Criteria: ACMG Guidelines, 2015. Collection method: clinical testing. Allele origin: germline.

GeneDx
Classification: Benign. Last evaluated: 2018-06-16. Review status: criteria provided, single submitter. Criteria: GeneDx Variant Classification (06012015). Collection method: clinical testing. Allele origin: germline. Affected: yes.
Comment: This variant is considered likely benign or benign based on one or more of the following criteria: it is a conservative change, it occurs at a poorly conserved position in the protein, it is predicted to be benign by multiple in silico algorithms, and/or has population frequency not consistent with disease.

Breakthrough Genomics
Classification: Benign. Review status: criteria provided, single submitter. Criteria: ACMG Guidelines, 2015. Collection method: not provided. Allele origin: germline. Inheritance: Autosomal recessive inheritance. Affected: yes.

Genetic Services Laboratory, University of Chicago
Classification: Likely benign for AllHighlyPenetrant. Review status: no assertion criteria provided. Collection method: clinical testing. Allele origin: germline. Inheritance: Autosomal recessive inheritance. Observed: 1 variant allele. Not counted in ClinVar's aggregate classification.
Comment: Likely benign based on allele frequency in 1000 Genomes Project or ESP global frequency and its presence in a patient with a rare or unrelated disease phenotype. NOT Sanger confirmed.

Genome Diagnostics Laboratory, University Medical Center Utrecht
Classification: Benign. Review status: no assertion criteria provided. Collection method: clinical testing. Allele origin: germline. Affected: yes. Study: VKGL Data-share Consensus. Not counted in ClinVar's aggregate classification.

Laboratory of Diagnostic Genome Analysis, Leiden University Medical Center (LUMC)
Classification: Likely benign. Review status: no assertion criteria provided. Collection method: clinical testing. Allele origin: germline. Affected: yes. Study: VKGL Data-share Consensus. Not counted in ClinVar's aggregate classification.